The following is an entry in ClinVar:

ClinVar aggregate classification (germline): Pathogenic/Likely pathogenic. Review status: criteria provided, multiple submitters, no conflicts (2 of 4 stars). 4 submissions from 4 submitters: Pathogenic (2); Likely pathogenic (1). 1 of the submissions does not count toward it. Last evaluated 2024-05-30.

Conditions:
Floating-Harbor syndrome (FLHS). Also called: Short stature with delayed bone age, expressive language delay, a triangular face with a prominent nose and deep-set eyes; Pelletier-Leisti syndrome; SRCAP-Related Floating-Harbor Syndrome. Identifiers: Orphanet 2044, MedGen C0729582, MONDO:0007621, OMIM 136140.

Submissions (4):

Institute of Human Genetics, University of Leipzig Medical Center
Classification: Pathogenic for Floating-Harbor syndrome. Last evaluated: 2024-05-30. Review status: criteria provided, single submitter. Criteria: ACMG Guidelines, 2015. Collection method: clinical testing. Allele origin: unknown. Inheritance: Autosomal dominant inheritance. Affected: yes.
Comment: Criteria applied: PVS1,PS2_MOD,PS4_MOD,PM2

GeneDx
Classification: Pathogenic. Last evaluated: 2023-04-16. Review status: criteria provided, single submitter. Criteria: GeneDx Variant Classification Process June 2021. Collection method: clinical testing. Allele origin: germline. Affected: yes.
Comment: Nonsense variant predicted to result in protein truncation, as the last 902 amino acids are lost, and other loss-of-function variants have been reported downstream in HGMD; Not observed at significant frequency in large population cohorts (gnomAD); This variant is associated with the following publications: (PMID: 25433523, 27535533, 33909990, 35664296, 32615693)

3billion
Classification: Likely pathogenic for Floating-Harbor syndrome. Last evaluated: 2022-09-01. Review status: criteria provided, single submitter. Criteria: ACMG Guidelines, 2015. Collection method: clinical testing. Allele origin: germline. Affected: yes. Observed: 1 heterozygote.
Comment: The variant is not observed in the gnomAD v2.1.1 dataset. Stop-gained (nonsense) is predicted to result in a loss or disruption of normal protein function through protein truncation. The predicted truncated protein may be shortened by more than 10%. The variant has been previously reported as assumed (i.e. paternity and maternity not confirmed) de novo in at least one similarly affected unrelated individual (PMID: 25433523). The variant has been reported to be associated with SRCAP-related disorder (ClinVar ID: VCV000546104 / PMID: 25433523). Therefore, this variant is classified as Likely pathogenic according to the recommendation of ACMG/AMP guideline.

OMIM
Classification: Pathogenic for FLOATING-HARBOR SYNDROME. Last evaluated: 2021-11-08. Review status: no assertion criteria provided. Collection method: literature only. Allele origin: germline. Not counted in ClinVar's aggregate classification.

Literature cited by the submitters: PubMed 25433523 (cited by 3billion and OMIM).

NM_006662.3(SRCAP):c.6985C>T (p.Arg2329Ter)

Gene: SRCAP (Snf2 related CREBBP activator protein; plus strand). Cytogenetic location: 16p11.2.
Variant type: single nucleotide variant.
Coding change: c.6985C>T on transcript NM_006662.3 (MANE Select); coding-DNA position 6985, C replaced by T.
Protein change: p.Arg2329Ter; replaces arginine 2329 with a stop codon.
Molecular consequence: nonsense.
Genome position (GRCh38, 1-based): chr16:30,736,601, C>T. VCF-style: chr16-30736601-C-T. GRCh37 (hg19) VCF-style: chr16-30747922-C-T.
Other names: short protein forms R2329*.
Identifiers: ClinVar variation 546104 (VCV000546104.7), dbSNP rs1555465891, ClinGen allele CA395630020.
Genomic context (GRCh38, chr16:30,736,601, plus strand): 5'-CTGACCCCCATTGAGCGCTATGCCATGAAATTCCTGGAGGCCTCACTGGAGGAGGTGAGC[C>T]GAGAGGAGCTCAAACAGGCAGAAGTGAGTATTTCCAGGGGTGGGGCTGGCAGTTGGAAGC-3'